The following is an entry in ClinVar:

ClinVar aggregate classification (germline): Uncertain significance. Review status: criteria provided, multiple submitters, no conflicts (2 of 4 stars). 3 submissions from 3 submitters: Uncertain significance (3). Last evaluated 2026-01-12.

Conditions:
Landau-Kleffner syndrome (FESD). Also called: EPILEPSY, FOCAL, WITH SPEECH DISORDER AND WITH OR WITHOUT MENTAL RETARDATION; APHASIA, ACQUIRED, WITH EPILEPSY. Identifiers: Orphanet 1945, Orphanet 725, Orphanet 98818, MedGen C0282512, MONDO:0009509, OMIM 245570.
Inborn genetic diseases. Identifiers: MedGen C0950123, MeSH D030342.

Allele frequency attached by ClinVar (database versions not stated): gnomAD exomes below 0.00001; TOPMed below 0.00001.
gnomAD v4.1: 1 of 1,614,168 alleles (0.000062%); highest among the groups gnomAD compares: African/African-American, 0.0013%; no homozygotes.

Submissions (3):

Labcorp Genetics (formerly Invitae), Labcorp
Classification: Uncertain significance for Landau-Kleffner syndrome. Last evaluated: 2026-01-12. Review status: criteria provided, single submitter. Criteria: Invitae Variant Classification Sherloc (09022015). Collection method: clinical testing. Allele origin: germline.
Comment: This sequence change replaces tyrosine, which is neutral and polar, with cysteine, which is neutral and slightly polar, at codon 1267 of the GRIN2A protein (p.Tyr1267Cys). This variant is not present in population databases (gnomAD no frequency). This variant has not been reported in the literature in individuals affected with GRIN2A-related conditions. ClinVar contains an entry for this variant (Variation ID: 3064535). Invitae Evidence Modeling of protein sequence and biophysical properties (such as structural, functional, and spatial information, amino acid conservation, physicochemical variation, residue mobility, and thermodynamic stability) indicates that this missense variant is not expected to disrupt GRIN2A protein function with a negative predictive value of 95%. In summary, the available evidence is currently insufficient to determine the role of this variant in disease. Therefore, it has been classified as a Variant of Uncertain Significance.

Ambry Genetics
Classification: Uncertain significance for Inborn genetic diseases. Last evaluated: 2025-09-01. Review status: criteria provided, single submitter. Criteria: Ambry Variant Classification Scheme 2023. Collection method: clinical testing. Allele origin: germline.

Genomic Medicine Center of Excellence, King Faisal Specialist Hospital and Research Centre
Classification: Uncertain significance for Landau-Kleffner syndrome. Last evaluated: 2024-03-25. Review status: criteria provided, single submitter. Criteria: ACMG Guidelines, 2015. Collection method: research. Allele origin: germline.

NM_001134407.3(GRIN2A):c.3800A>G (p.Tyr1267Cys)

Gene: GRIN2A (glutamate ionotropic receptor NMDA type subunit 2A; minus strand). Cytogenetic location: 16p13.2.
Variant type: single nucleotide variant.
Coding change: c.3800A>G on transcript NM_001134407.3 (MANE Select); coding-DNA position 3800, A replaced by G.
Protein change: p.Tyr1267Cys; replaces tyrosine 1267 with cysteine.
Molecular consequence: missense variant. On other transcripts: intron variant (1).
Genome position (GRCh38, 1-based): chr16:9,763,744, T>C on the plus strand (A>G on the coding strand, the complement: GRIN2A is on the minus strand). VCF-style: chr16-9763744-T-C. GRCh37 (hg19) VCF-style: chr16-9857601-T-C.
Other names: c.3800A>G (NM_000833.3); c.3800A>G, p.Tyr1267Cys (NM_000833.5); c.3772+28A>G (NM_001134408.2); short protein forms Y1267C.
Identifiers: ClinVar variation 3064535 (VCV003064535.4), dbSNP rs1333994593, ClinGen allele CA394706824.